The following is an entry in ClinVar:

ClinVar aggregate classification (germline): Likely pathogenic (0 of 4 stars; one submission).

Allele frequency attached by ClinVar (database versions not stated): gnomAD 0.00001; gnomAD exomes 0.00001; TOPMed 0.00001; ExAC 0.00002.
gnomAD v4.1: 12 of 1,613,982 alleles (0.00074%); highest among the groups gnomAD compares: Non-Finnish European, 0.001%; no homozygotes.

Submission:

Institute of Anatomy and Cell Biology, Medical Faculty, University Of Bonn
Classification: Likely pathogenic. Last evaluated: 2023-08-16. Review status: no assertion criteria provided. Collection method: clinical testing. Allele origin: inherited. Affected: yes.
Comment: This variant was observed in compound heterozygosity with variant c.7501G>A

NM_001407.3(CELSR3):c.3712C>T (p.Arg1238Cys)

Gene: CELSR3 (cadherin EGF LAG seven-pass G-type receptor 3; minus strand). Cytogenetic location: 3p21.31.
Variant type: single nucleotide variant.
Coding change: c.3712C>T on transcript NM_001407.3 (MANE Select); coding-DNA position 3712, C replaced by T.
Protein change: p.Arg1238Cys; replaces arginine 1238 with cysteine.
Molecular consequence: missense variant.
Genome position (GRCh38, 1-based): chr3:48,658,923, G>A on the plus strand (C>T on the coding strand, the complement: CELSR3 is on the minus strand). VCF-style: chr3-48658923-G-A. GRCh37 (hg19) VCF-style: chr3-48696356-G-A.
Other names: short protein forms R1238C.
Identifiers: ClinVar variation 2672063 (VCV002672063.1), dbSNP rs765000723, ClinGen allele CA2385082.
Genomic context (GRCh38, chr3:48,658,923, plus strand): 5'-ACTTGCCTGCCCCCTGCCCCTCACCTGTGACAGTCACCAACATGGAGGCCACCAGTGGGC[G>A]GTTATTGTCTAGCTTTCGGCTGAGTCGCAGCTCCCCACTGGTCTGGTTGACTACCAGCAG-3'
Protein context (NP_001398.2, residues 1228-1248): LRLSRKLDNN[Arg1238Cys]PLVASMLVTV